The following is an entry in ClinVar:

Single allele

Gene: MITF (melanocyte inducing transcription factor; plus strand). Cytogenetic location: 3p13.
Variant type: Deletion.
Identifiers: ClinVar variation 1202636 (VCV001202636.1).

ClinVar aggregate classification (germline): Pathogenic (1 of 4 stars; one submission).

Conditions:
Waardenburg syndrome type 2A (WS2A). Also called: WAARDENBURG SYNDROME WITHOUT DYSTOPIA CANTHORUM. Identifiers: Orphanet 3440, MedGen C1860339, MONDO:0008671, OMIM 193510.

Submission:

Laboratory of Molecular, Cellular and Translation Genetics in Otolaryngology/ Lim32-hcfmusp, University of Sao Paulo School of Medicine Clinics Hospital
Classification: Pathogenic for Waardenburg syndrome type 2A. Review status: criteria provided, single submitter. Criteria: ClinGen HL ACMG Specifications v1. Collection method: research. Allele origin: germline. Inheritance: Autosomal dominant inheritance. Affected: yes. Observed: 1 variant allele.

Literature cited by the submitters: PubMed 34599368.